The following is an entry in ClinVar:

ClinVar aggregate classification (germline): Uncertain significance. Review status: criteria provided, multiple submitters, no conflicts (2 of 4 stars). 2 submissions from 2 submitters: Uncertain significance (2). Last evaluated 2022-10-02.

Conditions:
Epidermolysis bullosa simplex 3, localized or generalized intermediate, with BP230 deficiency (EBS3). Also called: Epidermolysis bullosa simplex due to BP230 deficiency; Epidermolysis bullosa simplex, autosomal recessive 2. Identifiers: Orphanet 412181, MedGen C3809470, MONDO:0014180, OMIM 615425.
Hereditary sensory and autonomic neuropathy type 6. Also called: Neuropathy, hereditary sensory and autonomic, type VI; HSAN VI. Identifiers: Orphanet 314381, MedGen C3539003, MONDO:0013839, OMIM 614653.

Allele frequency attached by ClinVar (database versions not stated): gnomAD 0.00001; gnomAD exomes 0.00001; TOPMed 0.00001.
gnomAD v4.1: 17 of 1,613,710 alleles (0.0011%); highest among the groups gnomAD compares: Admixed American, 0.025%; no homozygotes.

Submissions (2):

Labcorp Genetics (formerly Invitae), Labcorp
Classification: Uncertain significance for Epidermolysis bullosa simplex 3, localized or generalized intermediate, with BP230 deficiency; Hereditary sensory and autonomic neuropathy type 6. Last evaluated: 2022-10-02. Review status: criteria provided, single submitter. Criteria: Invitae Variant Classification Sherloc (09022015). Collection method: clinical testing. Allele origin: germline.
Comment: In summary, the available evidence is currently insufficient to determine the role of this variant in disease. Therefore, it has been classified as a Variant of Uncertain Significance. Experimental studies and prediction algorithms are not available or were not evaluated, and the effect of this variant on mRNA splicing is currently unknown. This variant has not been reported in the literature in individuals affected with DST-related conditions. This variant is not present in population databases (gnomAD no frequency). This sequence change affects codon 3781 of the DST mRNA. It is a 'silent' change, meaning that it does not change the encoded amino acid sequence of the DST protein. The DST gene has multiple clinically relevant transcripts. This variant occurs in alternate transcript NM_015548.4, and corresponds to NM_001723.5:c.*106961A>G in the primary transcript.

Breakthrough Genomics
Classification: Uncertain significance. Review status: criteria provided, single submitter. Criteria: ACMG Guidelines, 2015. Collection method: not provided. Allele origin: germline. Inheritance: Autosomal recessive inheritance. Affected: yes.

NM_001374736.1(DST):c.19212A>G (p.Val6404=)

Gene: DST (dystonin; minus strand). Cytogenetic location: 6p12.1.
Variant type: single nucleotide variant.
Coding change: c.19212A>G on transcript NM_001374736.1 (MANE Select); coding-DNA position 19212, A replaced by G.
Protein change: p.Val6404=; no amino-acid change (valine 6404 retained).
Molecular consequence: synonymous variant.
Genome position (GRCh38, 1-based): chr6:56,508,556, T>C on the plus strand (A>G on the coding strand, the complement: DST is on the minus strand). VCF-style: chr6-56508556-T-C. GRCh37 (hg19) VCF-style: chr6-56373354-T-C.
Other names: c.12855A>G, p.Val4285= (NM_001144769.5); c.12441A>G, p.Val4147= (NM_001144770.2); c.19212A>G, p.Val6404= (NM_001374722.1); c.18252A>G, p.Val6084= (NM_001374729.1); c.11994A>G, p.Val3998= (NM_001374730.1); c.19239A>G, p.Val6413= (NM_001374734.1); c.12321A>G, p.Val4107= (NM_001386100.1, NM_183380.4); c.11343A>G, p.Val3781= (NM_015548.5).
Identifiers: ClinVar variation 1499057 (VCV001499057.5), dbSNP rs2096396148, ClinGen allele CA450618597.
Genomic context (GRCh38, chr6:56,508,556, plus strand): 5'-TTTTTCTAACTTTAAATGAGATTTTCTGCTTACCTCTGCTGCTTCTTGCTGTTGTTTTAC[T>C]ACTGAAGGATCAATTCCAGGATCTTCCAGGTCCCGGATGAAATCTTGAGTATCTTTAATG-3'
Protein context (NP_001361665.1, residues 6394-6414): DLEDPGIDPS[Val6404=]VKQQQEAAET